The following is an entry in ClinVar:

NM_002439.5(MSH3):c.3157G>A (p.Val1053Ile)

Gene: MSH3 (mutS homolog 3; plus strand). Cytogenetic location: 5q14.1.
Variant type: single nucleotide variant.
Coding change: c.3157G>A on transcript NM_002439.5 (MANE Select); coding-DNA position 3157, G replaced by A.
Protein change: p.Val1053Ile; replaces valine 1053 with isoleucine.
Molecular consequence: missense variant.
Genome position (GRCh38, 1-based): chr5:80,873,142, G>A. VCF-style: chr5-80873142-G-A. GRCh37 (hg19) VCF-style: chr5-80168961-G-A.
Other names: short protein forms V1053I.
Identifiers: ClinVar variation 3689570 (VCV003689570.2).

ClinVar aggregate classification (germline): Uncertain significance (1 of 4 stars; one submission).

Submission:

Labcorp Genetics (formerly Invitae), Labcorp
Classification: Uncertain significance. Last evaluated: 2024-04-30. Review status: criteria provided, single submitter. Criteria: Invitae Variant Classification Sherloc (09022015). Collection method: clinical testing. Allele origin: germline.
Comment: This sequence change replaces valine, which is neutral and non-polar, with isoleucine, which is neutral and non-polar, at codon 1053 of the MSH3 protein (p.Val1053Ile). This variant is not present in population databases (gnomAD no frequency). This variant has not been reported in the literature in individuals affected with MSH3-related conditions. An algorithm developed to predict the effect of missense changes on protein structure and function (PolyPhen-2) suggests that this variant is likely to be tolerated. In summary, the available evidence is currently insufficient to determine the role of this variant in disease. Therefore, it has been classified as a Variant of Uncertain Significance.